The following is an entry in ClinVar:

NM_002691.4(POLD1):c.2552T>C (p.Leu851Pro)

Gene: POLD1 (DNA polymerase delta 1, catalytic subunit; plus strand). Cytogenetic location: 19q13.33.
Variant type: single nucleotide variant.
Coding change: c.2552T>C on transcript NM_002691.4 (MANE Select); coding-DNA position 2552, T replaced by C.
Protein change: p.Leu851Pro; replaces leucine 851 with proline.
Molecular consequence: missense variant. On other transcripts: non-coding transcript variant (1).
Genome position (GRCh38, 1-based): chr19:50,414,978, T>C. VCF-style: chr19-50414978-T-C. GRCh37 (hg19) VCF-style: chr19-50918235-T-C.
Other names: c.2552T>C, p.Leu851Pro (NM_001256849.1); c.2630T>C, p.Leu877Pro (NM_001308632.1); c.2552T>C (NM_002691.2); short protein forms L877P, L851P.
Identifiers: ClinVar variation 469272 (VCV000469272.6), dbSNP rs1555792892, ClinGen allele CA406985230.

ClinVar aggregate classification (germline): Uncertain significance. Review status: criteria provided, multiple submitters, no conflicts (2 of 4 stars). 2 submissions from 2 submitters: Uncertain significance (2). Last evaluated 2025-05-09.

Conditions:
POLD1-related polyposis and colorectal cancer syndrome (CRCS10). Also called: Colorectal cancer 10; COLORECTAL CANCER, SUSCEPTIBILITY TO, ON CHROMOSOME 19q; Colorectal cancer, susceptibility to, 10. Identifiers: Orphanet 220460, MedGen C2675481, MONDO:0012953, OMIM 612591.
Hereditary cancer-predisposing syndrome. Also called: Neoplastic Syndromes, Hereditary; Hereditary neoplastic syndrome; Tumor predisposition; Hereditary Cancer Syndrome. Identifiers: Orphanet 140162, MedGen C0027672, MeSH D009386, MONDO:0015356.

Submissions (2):

Ambry Genetics
Classification: Uncertain significance for Hereditary cancer-predisposing syndrome. Last evaluated: 2025-05-09. Review status: criteria provided, single submitter. Criteria: Ambry Variant Classification Scheme 2023. Collection method: clinical testing. Allele origin: germline.
Comment: The p.L851P variant (also known as c.2552T>C), located in coding exon 19 of the POLD1 gene, results from a T to C substitution at nucleotide position 2552. The leucine at codon 851 is replaced by proline, an amino acid with similar properties. This amino acid position is conserved. In addition, this alteration is predicted to be deleterious by in silico analysis. Based on the available evidence, the clinical significance of this variant remains unclear.

Labcorp Genetics (formerly Invitae), Labcorp
Classification: Uncertain significance for POLD1-related polyposis and colorectal cancer syndrome. Last evaluated: 2023-07-17. Review status: criteria provided, single submitter. Criteria: Invitae Variant Classification Sherloc (09022015). Collection method: clinical testing. Allele origin: germline.
Comment: This variant has not been reported in the literature in individuals affected with POLD1-related conditions. In summary, the available evidence is currently insufficient to determine the role of this variant in disease. Therefore, it has been classified as a Variant of Uncertain Significance. Advanced modeling of protein sequence and biophysical properties (such as structural, functional, and spatial information, amino acid conservation, physicochemical variation, residue mobility, and thermodynamic stability) performed at Invitae indicates that this missense variant is expected to disrupt POLD1 protein function. ClinVar contains an entry for this variant (Variation ID: 469272). This variant is not present in population databases (gnomAD no frequency). This sequence change replaces leucine, which is neutral and non-polar, with proline, which is neutral and non-polar, at codon 851 of the POLD1 protein (p.Leu851Pro).